The following is an entry in ClinVar:

NM_000321.3(RB1):c.730A>T (p.Ile244Leu)

Gene: RB1 (RB transcriptional corepressor 1; plus strand). Cytogenetic location: 13q14.2.
Variant type: single nucleotide variant.
Coding change: c.730A>T on transcript NM_000321.3 (MANE Select); coding-DNA position 730, A replaced by T.
Protein change: p.Ile244Leu; replaces isoleucine 244 with leucine.
Molecular consequence: missense variant.
Genome position (GRCh38, 1-based): chr13:48,362,826, A>T. VCF-style: chr13-48362826-A-T. GRCh37 (hg19) VCF-style: chr13-48936962-A-T.
Other names: short protein forms I244L.
Identifiers: ClinVar variation 1385897 (VCV001385897.6), dbSNP rs778605591, ClinGen allele CA388159250.
Genomic context (GRCh38, chr13:48,362,826, plus strand): 5'-TTATATGATGGATGTACAATTGTTCTTATCTAATTTACCACTTTTACAGAAACAGCTGTT[A>T]TACCCATTAATGGTTCACCTCGAACACCCAGGCGAGGTCAGAACAGGAGTGCACGGATAG-3'
Protein context (NP_000312.2, residues 234-254): LLKEPYKTAV[Ile244Leu]PINGSPRTPR

ClinVar aggregate classification (germline): Uncertain significance (1 of 4 stars; one submission).

Conditions:
Retinoblastoma (RB1). Also called: RETINOBLASTOMA, SOMATIC. Identifiers: Orphanet 790, MedGen C0035335, MeSH D012175, MONDO:0008380, OMIM 180200, HP:0009919. Disease mechanism: loss of function. Inheritance: Both sporadic and heritable forms are tested..

Submission:

Labcorp Genetics (formerly Invitae), Labcorp
Classification: Uncertain significance for Retinoblastoma. Last evaluated: 2024-04-15. Review status: criteria provided, single submitter. Criteria: Invitae Variant Classification Sherloc (09022015). Collection method: clinical testing. Allele origin: germline.
Comment: This sequence change replaces isoleucine, which is neutral and non-polar, with leucine, which is neutral and non-polar, at codon 244 of the RB1 protein (p.Ile244Leu). This variant is not present in population databases (gnomAD no frequency). This variant has not been reported in the literature in individuals affected with RB1-related conditions. ClinVar contains an entry for this variant (Variation ID: 1385897). Advanced modeling of protein sequence and biophysical properties (such as structural, functional, and spatial information, amino acid conservation, physicochemical variation, residue mobility, and thermodynamic stability) performed at Invitae indicates that this missense variant is not expected to disrupt RB1 protein function with a negative predictive value of 80%. In summary, the available evidence is currently insufficient to determine the role of this variant in disease. Therefore, it has been classified as a Variant of Uncertain Significance.